The following is an entry in ClinVar:

ClinVar aggregate classification (germline): Uncertain significance (1 of 4 stars; one submission).

Allele frequency attached by ClinVar (database versions not stated): gnomAD 0.00003; TOPMed 0.00005; ExAC 0.00006; gnomAD exomes 0.00006 and 0.00009.
gnomAD v4.1: 88 of 1,613,830 alleles (0.0055%); highest among the groups gnomAD compares: Middle Eastern, 0.033%; no homozygotes.

Submission:

Labcorp Genetics (formerly Invitae), Labcorp
Classification: Uncertain significance. Last evaluated: 2023-11-14. Review status: criteria provided, single submitter. Criteria: Invitae Variant Classification Sherloc (09022015). Collection method: clinical testing. Allele origin: germline.
Comment: This sequence change replaces arginine, which is basic and polar, with glutamine, which is neutral and polar, at codon 103 of the DNAJC17 protein (p.Arg103Gln). This variant is present in population databases (rs771949970, gnomAD 0.03%). This variant has not been reported in the literature in individuals affected with DNAJC17-related conditions. ClinVar contains an entry for this variant (Variation ID: 1521901). An algorithm developed to predict the effect of missense changes on protein structure and function (PolyPhen-2) suggests that this variant is likely to be tolerated. In summary, the available evidence is currently insufficient to determine the role of this variant in disease. Therefore, it has been classified as a Variant of Uncertain Significance.

NM_018163.3(DNAJC17):c.308G>A (p.Arg103Gln)

Gene: DNAJC17 (DnaJ heat shock protein family (Hsp40) member C17; minus strand). Cytogenetic location: 15q15.1.
Variant type: single nucleotide variant.
Coding change: c.308G>A on transcript NM_018163.3 (MANE Select); coding-DNA position 308, G replaced by A.
Protein change: p.Arg103Gln; replaces arginine 103 with glutamine.
Molecular consequence: missense variant.
Genome position (GRCh38, 1-based): chr15:40,776,615, C>T on the plus strand (G>A on the coding strand, the complement: DNAJC17 is on the minus strand). VCF-style: chr15-40776615-C-T. GRCh37 (hg19) VCF-style: chr15-41068813-C-T.
Other names: short protein forms R103Q.
Identifiers: ClinVar variation 1521901 (VCV001521901.6), dbSNP rs771949970, ClinGen allele CA7485215.
Genomic context (GRCh38, chr15:40,776,615, plus strand): 5'-GTCCTGGTGCTCCGGCTCTCCTCTTCCTCCTCACTCTCCTGGGCCTGGGCCTGCCGCTCC[C>T]GGGCCTCCAGGTCTAGACACAAGGGTTGAATGACCAGACTGCTGGTCTGTTCAGTTTCCA-3'
Protein context (NP_060633.1, residues 93-113): RKKVKLDLEA[Arg103Gln]ERQAQAQESE